The following is an entry in ClinVar:

NM_000256.3(MYBPC3):c.3015_3036dup (p.Pro1013fs)

Gene: MYBPC3 (myosin binding protein C3; minus strand). Cytogenetic location: 11p11.2.
Variant type: Duplication.
Coding change: c.3015_3036dup on transcript NM_000256.3 (MANE Select); coding-DNA positions 3015 to 3036, 22 bases duplicated (GACCTGGACCAAAGAGGGGCAG).
Protein change: p.Pro1013fs; shifts the reading frame from proline 1013.
Molecular consequence: frameshift variant.
Genome position (GRCh38, 1-based): chr11:47,333,711-47,333,732, CTGCCCCTCTTTGGTCCAGGTC duplicated on the plus strand (GACCTGGACCAAAGAGGGGCAG on the coding strand, the reverse complement: MYBPC3 is on the minus strand). VCF-style (leftmost placement, unchanged base first): chr11-47333710-G-GCTGCCCCTCTTTGGTCCAGGTC. GRCh37 (hg19) VCF-style: chr11-47355261-G-GCTGCCCCTCTTTGGTCCAGGTC.
Other names: short protein forms P1013fs.
Identifiers: ClinVar variation 3775607 (VCV003775607.1).

ClinVar aggregate classification (germline): Pathogenic (1 of 4 stars; one submission).

Conditions:
Hypertrophic cardiomyopathy 4. Also called: Familial hypertrophic cardiomyopathy 4. Identifiers: MedGen C1861862, MONDO:0007268, OMIM 115197.

Submission:

3billion
Classification: Pathogenic for Hypertrophic cardiomyopathy 4. Last evaluated: 2023-07-13. Review status: criteria provided, single submitter. Criteria: ACMG Guidelines, 2015. Collection method: clinical testing. Allele origin: germline. Affected: yes.
Comment: The variant is not observed in the gnomAD v2.1.1 dataset. Predicted Consequence/Location: Frameshift: predicted to result in a loss or disruption of normal protein function through nonsense-mediated decay (NMD) or protein truncation. Multiple pathogenic variants are reported downstream of the variant. The variant has been reported to be associated with MYBPC3 related disorder (3billion dataset). Therefore, this variant is classified as Pathogenic according to the recommendation of ACMG/AMP guideline.